The following is an entry in ClinVar:

NM_000432.4(MYL2):c.4-14C>T

Genes: MYL2 (myosin light chain 2; minus strand), LOC114827850 (VISTA enhancer hs2149; plus strand). Cytogenetic location: 12q24.11.
Variant type: single nucleotide variant.
Coding change: c.4-14C>T on transcript NM_000432.4 (MANE Select); 14 bases into the intron before coding-DNA position 4, C replaced by T.
Molecular consequence: intron variant.
Genome position (GRCh38, 1-based): chr12:110,919,207, G>A on the plus strand (C>T on the coding strand, the complement: MYL2 is on the minus strand). VCF-style: chr12-110919207-G-A. GRCh37 (hg19) VCF-style: chr12-111357011-G-A.
Identifiers: ClinVar variation 43474 (VCV000043474.31), dbSNP rs12301951, ClinGen allele CA010310.

ClinVar aggregate classification (germline): Benign. Review status: criteria provided, multiple submitters, no conflicts (2 of 4 stars). 12 submissions from 12 submitters: Benign (9). 3 of the submissions do not count toward it. Last evaluated 2026-02-03.

Conditions:
Cardiomyopathy (CMYO). Also called: Cardiomyopathies. Identifiers: Orphanet 167848, MedGen C0878544, MONDO:0004994, HP:0001638. Inheritance: Various modes of inheritance.
Hypertrophic cardiomyopathy 10. Also called: CARDIOMYOPATHY, HYPERTROPHIC, MID-LEFT VENTRICULAR CHAMBER TYPE, 2; MYL2-Related Familial Hypertrophic Cardiomyopathy. Identifiers: MedGen C1834460, MONDO:0012112, OMIM 608758.
Congestive heart failure. Identifiers: MedGen C0018802, MONDO:0005009, HP:0001635.

Allele frequency attached by ClinVar (database versions not stated): gnomAD 0.04173 and 0.03886; 1000 Genomes Project 0.04453; TOPMed 0.04496; gnomAD exomes 0.00376 and 0.00999; ExAC 0.01287; ESP Exome Variant Server 0.04590.

Submissions (12):

Labcorp Genetics (formerly Invitae), Labcorp
Classification: Benign for Hypertrophic cardiomyopathy 10. Last evaluated: 2026-02-03. Review status: criteria provided, single submitter. Criteria: Invitae Variant Classification Sherloc (09022015). Collection method: clinical testing. Allele origin: germline.

Color Diagnostics, LLC DBA Color Health
Classification: Benign for Cardiomyopathy. Last evaluated: 2018-04-02. Review status: criteria provided, single submitter. Criteria: ACMG Guidelines, 2015. Collection method: clinical testing. Allele origin: germline.

Illumina Laboratory Services, Illumina
Classification: Benign for Hypertrophic cardiomyopathy 10. Last evaluated: 2018-01-13. Review status: criteria provided, single submitter. Criteria: ICSL Variant Classification Criteria 13 December 2019. Collection method: clinical testing. Allele origin: germline.
Comment: This variant was observed in the ICSL laboratory as part of a predisposition screen in an ostensibly healthy population. It had not been previously curated by ICSL or reported in the Human Gene Mutation Database (HGMD: prior to June 1st, 2018), and was therefore a candidate for classification through an automated scoring system. Utilizing variant allele frequency, disease prevalence and penetrance estimates, and inheritance mode, an automated score was calculated to assess if this variant is too frequent to cause the disease. Based on the score and internal cut-off values, a variant classified as benign is not then subjected to further curation. The score for this variant resulted in a classification of benign for this disease.

Clinical Genetics DNA and cytogenetics Diagnostics Lab, Erasmus MC, Erasmus Medical Center
Classification: Benign for Hypertrophic cardiomyopathy 10. Last evaluated: 2017-05-31. Review status: criteria provided, single submitter. Criteria: ACGS Guidelines, 2013. Collection method: clinical testing. Allele origin: germline. Affected: yes. Study: VKGL Data-share Consensus.

GeneDx
Classification: Benign. Last evaluated: 2015-03-03. Review status: criteria provided, single submitter. Criteria: GeneDx Variant Classification Process June 2021. Collection method: clinical testing. Allele origin: germline. Affected: yes.

Genome Diagnostics Laboratory, University Medical Center Utrecht
Classification: Benign for Hypertrophic cardiomyopathy 10. Last evaluated: 2014-10-09. Review status: criteria provided, single submitter. Criteria: ACGS Guidelines, 2013. Collection method: clinical testing. Allele origin: germline. Affected: yes. Study: VKGL Data-share Consensus.

Laboratory for Molecular Medicine, Mass General Brigham Personalized Medicine
Classification: Benign. Last evaluated: 2011-09-23. Review status: criteria provided, single submitter. Criteria: LMM Criteria. Collection method: clinical testing. Allele origin: germline. Observed: 100 variant alleles.

Breakthrough Genomics
Classification: Benign. Review status: criteria provided, single submitter. Criteria: ACMG Guidelines, 2015. Collection method: not provided. Allele origin: germline. Inheritance: Autosomal recessive inheritance. Affected: yes.

PreventionGenetics, part of Exact Sciences
Classification: Benign. Review status: criteria provided, single submitter. Criteria: ACMG Guidelines, 2015. Collection method: clinical testing. Allele origin: germline.

Cohesion Phenomics
Classification: Benign for Congestive Heart Failure. Last evaluated: 2022-10-10. Review status: no assertion criteria provided. Criteria: ACMG Guidelines, 2015. Collection method: clinical testing. Allele origin: germline. Affected: yes. Not counted in ClinVar's aggregate classification.

Clinical Genetics, Academic Medical Center
Classification: Benign. Review status: no assertion criteria provided. Collection method: clinical testing. Allele origin: germline. Affected: yes. Study: VKGL Data-share Consensus. Not counted in ClinVar's aggregate classification.

Joint Genome Diagnostic Labs from Nijmegen and Maastricht, Radboudumc and MUMC+
Classification: Benign. Review status: no assertion criteria provided. Collection method: clinical testing. Allele origin: germline. Affected: yes. Study: VKGL Data-share Consensus. Not counted in ClinVar's aggregate classification.